The following is an entry in ClinVar:

ClinVar aggregate classification (germline): Benign (0 of 4 stars; one submission).

Conditions:
U2AF1-related disorder. Also called: U2AF1-related condition.

Allele frequency attached by ClinVar (database versions not stated): ExAC 0.00051; ESP Exome Variant Server 0.00062; gnomAD exomes 0.00108.

Submission:

PreventionGenetics, part of Exact Sciences
Classification: Benign for U2AF1-related condition. Last evaluated: 2019-09-05. Review status: no assertion criteria provided. Collection method: clinical testing. Allele origin: germline.
Comment: This variant is classified as benign based on ACMG/AMP sequence variant interpretation guidelines (Richards et al. 2015 PMID: 25741868, with internal and published modifications).

NM_006758.3(U2AF1):c.99C>T (p.Cys33=)

Gene: U2AF1 (U2 small nuclear RNA auxiliary factor 1; minus strand). Cytogenetic location: 21q22.3.
Variant type: single nucleotide variant.
Coding change: c.99C>T on transcript NM_006758.3 (MANE Select); coding-DNA position 99, C replaced by T.
Protein change: p.Cys33=; no amino-acid change (cysteine 33 retained).
Molecular consequence: synonymous variant. On other transcripts: 5 prime UTR variant (1).
Genome position (GRCh38, 1-based): chr21:43,104,348, G>A on the plus strand (C>T on the coding strand, the complement: U2AF1 is on the minus strand). VCF-style: chr21-43104348-G-A. GRCh37 (hg19) VCF-style: chr21-44524458-G-A.
Other names: c.99C>T, p.Cys33= (NM_001025203.1); c.-188C>T (NM_001025204.2).
Identifiers: ClinVar variation 3053298 (VCV003053298.2), dbSNP rs139959814, ClinGen allele CA321134509.